The following is an entry in ClinVar:

ClinVar aggregate classification (germline): Benign/Likely benign. Review status: criteria provided, multiple submitters, no conflicts (2 of 4 stars). 3 submissions from 3 submitters: Benign (1); Likely benign (2). Last evaluated 2025-10-06.

Conditions:
Hereditary cancer-predisposing syndrome. Also called: Neoplastic Syndromes, Hereditary; Tumor predisposition; Hereditary Cancer Syndrome; Hereditary neoplastic syndrome. Identifiers: Orphanet 140162, MedGen C0027672, MeSH D009386, MONDO:0015356.
Pheochromocytoma/paraganglioma syndrome 5. Also called: Paragangliomas 5; SDHA-Related Hereditary Paraganglioma-Pheochromocytoma Syndrome. Identifiers: Orphanet 29072, MedGen C3279992, MONDO:0013602, OMIM 614165.
Mitochondrial complex II deficiency, nuclear type 1. Also called: SUCCINATE CoQ REDUCTASE DEFICIENCY. Identifiers: Orphanet 3208, MedGen C5700310, MONDO:0100294, OMIM 252011.

Submissions (3):

Ambry Genetics
Classification: Likely benign for Hereditary cancer-predisposing syndrome. Last evaluated: 2025-10-06. Review status: criteria provided, single submitter. Criteria: Ambry Variant Classification Scheme 2023. Collection method: clinical testing. Allele origin: germline.

Myriad Genetics, Inc.
Classification: Benign for Pheochromocytoma/paraganglioma syndrome 5. Last evaluated: 2025-03-03. Review status: criteria provided, single submitter. Criteria: Myriad Autosomal Dominant, Autosomal Recessive and X-Linked Classification Criteria (2023). Collection method: clinical testing. Allele origin: unknown.
Comment: This variant is considered benign. This variant is a silent/synonymous amino acid change and it is not expected to impact splicing.

Labcorp Genetics (formerly Invitae), Labcorp
Classification: Likely benign for Pheochromocytoma/paraganglioma syndrome 5; Mitochondrial complex II deficiency, nuclear type 1. Last evaluated: 2023-05-04. Review status: criteria provided, single submitter. Criteria: Invitae Variant Classification Sherloc (09022015). Collection method: clinical testing. Allele origin: germline.

NM_004168.4(SDHA):c.813C>A (p.Thr271=)

Gene: SDHA (succinate dehydrogenase complex flavoprotein subunit A; plus strand). Cytogenetic location: 5p15.33.
Variant type: single nucleotide variant.
Coding change: c.813C>A on transcript NM_004168.4 (MANE Select); coding-DNA position 813, C replaced by A.
Protein change: p.Thr271=; no amino-acid change (threonine 271 retained).
Molecular consequence: synonymous variant.
Genome position (GRCh38, 1-based): chr5:230,918, C>A. VCF-style: chr5-230918-C-A. GRCh37 (hg19) VCF-style: chr5-231033-C-A.
Other names: c.813C>A (NM_004168.2); c.669C>A, p.Thr223= (NM_001294332.2); c.813C>A, p.Thr271= (NM_001330758.2).
Identifiers: ClinVar variation 2932203 (VCV002932203.5), dbSNP rs1735357318, ClinGen allele CA442691484.